The following is an entry in ClinVar:

NM_020207.7(ERCC6L2):c.1084A>G (p.Lys362Glu)

Gene: ERCC6L2 (ERCC excision repair 6 like 2; plus strand). Cytogenetic location: 9q22.32.
Variant type: single nucleotide variant.
Coding change: c.1084A>G on transcript NM_020207.7 (MANE Select); coding-DNA position 1084, A replaced by G.
Protein change: p.Lys362Glu; replaces lysine 362 with glutamic acid.
Molecular consequence: missense variant. On other transcripts: non-coding transcript variant (1).
Genome position (GRCh38, 1-based): chr9:95,916,360, A>G. VCF-style: chr9-95916360-A-G. GRCh37 (hg19) VCF-style: chr9-98678642-A-G.
Other names: c.1084A>G, p.Lys362Glu (NM_001010895.4, NM_001375291.1, NM_001375292.1 and 2 more transcripts); short protein forms K362E.
Identifiers: ClinVar variation 3845801 (VCV003845801.1).

ClinVar aggregate classification (germline): Uncertain significance (1 of 4 stars; one submission).

Conditions:
Inborn genetic diseases. Identifiers: MedGen C0950123, MeSH D030342.

gnomAD v4.1: 6 of 1,610,702 alleles (0.00037%); highest among the groups gnomAD compares: East Asian, 0.0045%; no homozygotes.

Submission:

Ambry Genetics
Classification: Uncertain significance for Inborn genetic diseases. Last evaluated: 2024-12-16. Review status: criteria provided, single submitter. Criteria: Ambry Variant Classification Scheme 2023. Collection method: clinical testing. Allele origin: germline.
Comment: The p.K362E variant (also known as c.1084A>G), located in coding exon 6 of the ERCC6L2 gene, results from an A to G substitution at nucleotide position 1084. The lysine at codon 362 is replaced by glutamic acid, an amino acid with similar properties. This amino acid position is conserved. In addition, this alteration is predicted to be tolerated by in silico analysis. Based on the available evidence, the clinical significance of this variant remains unclear.